The following is an entry in ClinVar:

NM_000368.5(TSC1):c.1004C>T (p.Thr335Ile)

Gene: TSC1 (TSC complex subunit 1; minus strand). Cytogenetic location: 9q34.13.
Variant type: single nucleotide variant.
Coding change: c.1004C>T on transcript NM_000368.5 (MANE Select); coding-DNA position 1004, C replaced by T.
Protein change: p.Thr335Ile; replaces threonine 335 with isoleucine.
Molecular consequence: missense variant.
Genome position (GRCh38, 1-based): chr9:132,911,478, G>A on the plus strand (C>T on the coding strand, the complement: TSC1 is on the minus strand). VCF-style: chr9-132911478-G-A. GRCh37 (hg19) VCF-style: chr9-135786865-G-A.
Other names: c.1004C>T, p.Thr335Ile (NM_001162426.2); c.851C>T, p.Thr284Ile (NM_001162427.2); c.641C>T, p.Thr214Ile (NM_001362177.2); short protein forms T214I, T284I, T335I.
Identifiers: ClinVar variation 969778 (VCV000969778.12), dbSNP rs1845955010, ClinGen allele CA375368520.

ClinVar aggregate classification (germline): Conflicting classifications of pathogenicity. Review status: criteria provided, conflicting classifications (1 of 4 stars). 6 submissions from 6 submitters: Uncertain significance (5); Likely benign (1). Last evaluated 2025-07-29.

Conditions:
Hereditary cancer-predisposing syndrome. Also called: Hereditary neoplastic syndrome; Hereditary Cancer Syndrome; Tumor predisposition; Neoplastic Syndromes, Hereditary. Identifiers: Orphanet 140162, MedGen C0027672, MeSH D009386, MONDO:0015356.
Tuberous sclerosis 1 (TSC1). Identifiers: Orphanet 805, MedGen C1854465, MONDO:0008612, OMIM 191100.
Tuberous sclerosis syndrome (TSC). Also called: Tuberous Sclerosis Complex; Tuberous sclerosis. Identifiers: Orphanet 805, MedGen C0041341, MONDO:0001734.
Isolated focal cortical dysplasia type II (FCORD2). Also called: CORTICAL DYSPLASIA OF TAYLOR; Focal cortical dysplasia type II. Identifiers: Orphanet 268994, MedGen C1846385, MONDO:0011818, OMIM 607341, HP:0032051.

Allele frequency attached by ClinVar (database versions not stated): gnomAD exomes below 0.00001.
gnomAD v4.1: 1 of 1,613,616 alleles (0.000062%); highest among the groups gnomAD compares: Admixed American, 0.0017%; no homozygotes.

Submissions (6):

Myriad Genetics, Inc.
Classification: Likely benign for Tuberous sclerosis 1. Last evaluated: 2025-07-29. Review status: criteria provided, single submitter. Criteria: Myriad Autosomal Dominant, Autosomal Recessive and X-Linked Classification Criteria (2023). Collection method: clinical testing. Allele origin: unknown.
Comment: This variant is considered likely benign. Homozygosity has been confirmed in one or more individuals. As homozygosity for pathogenic variants in this gene is generally assumed to result in embryonic lethality, this variant is unlikely to be pathogenic.

Labcorp Genetics (formerly Invitae), Labcorp
Classification: Uncertain significance for Tuberous sclerosis 1. Last evaluated: 2025-03-07. Review status: criteria provided, single submitter. Criteria: Invitae Variant Classification Sherloc (09022015). Collection method: clinical testing. Allele origin: germline.
Comment: This sequence change replaces threonine, which is neutral and polar, with isoleucine, which is neutral and non-polar, at codon 335 of the TSC1 protein (p.Thr335Ile). This variant is not present in population databases (gnomAD no frequency). This variant has not been reported in the literature in individuals affected with TSC1-related conditions. ClinVar contains an entry for this variant (Variation ID: 969778). Invitae Evidence Modeling of protein sequence and biophysical properties (such as structural, functional, and spatial information, amino acid conservation, physicochemical variation, residue mobility, and thermodynamic stability) indicates that this missense variant is not expected to disrupt TSC1 protein function with a negative predictive value of 95%. In summary, the available evidence is currently insufficient to determine the role of this variant in disease. Therefore, it has been classified as a Variant of Uncertain Significance.

Ambry Genetics
Classification: Uncertain significance for Hereditary cancer-predisposing syndrome. Last evaluated: 2024-05-23. Review status: criteria provided, single submitter. Criteria: Ambry Variant Classification Scheme 2023. Collection method: clinical testing. Allele origin: germline.
Comment: The p.T335I variant (also known as c.1004C>T), located in coding exon 8 of the TSC1 gene, results from a C to T substitution at nucleotide position 1004. The threonine at codon 335 is replaced by isoleucine, an amino acid with similar properties. This amino acid position is conserved. In addition, the in silico prediction for this alteration is inconclusive. Based on the available evidence, the clinical significance of this variant remains unclear.

Color Diagnostics, LLC DBA Color Health
Classification: Uncertain significance for Tuberous sclerosis syndrome. Last evaluated: 2024-03-06. Review status: criteria provided, single submitter. Criteria: ACMG Guidelines, 2015. Collection method: clinical testing. Allele origin: germline.
Comment: This missense variant replaces threonine with isoleucine at codon 335 of the TSC1 protein. Computational prediction suggests that this variant may not impact protein structure and function (internally defined REVEL score threshold <= 0.5, PMID: 27666373). To our knowledge, functional studies have not been reported for this variant. This variant has not been reported in individuals affected with TSC1-related disorders in the literature. This variant has not been identified in the general population by the Genome Aggregation Database (gnomAD). The available evidence is insufficient to determine the role of this variant in disease conclusively. Therefore, this variant is classified as a Variant of Uncertain Significance.

All of Us Research Program, National Institutes of Health
Classification: Uncertain significance for Tuberous sclerosis syndrome. Last evaluated: 2023-11-20. Review status: criteria provided, single submitter. Criteria: ACMG Guidelines, 2015. Collection method: clinical testing. Allele origin: germline. Inheritance: Autosomal dominant inheritance. Observed: 2 variant alleles, 2 heterozygotes.
Comment: This missense variant replaces threonine with isoleucine at codon 335 of the TSC1 protein. Computational prediction suggests that this variant may not impact protein structure and function (internally defined REVEL score threshold <= 0.5, PMID: 27666373). To our knowledge, functional studies have not been reported for this variant. This variant has not been reported in individuals affected with TSC1-related disorders in the literature. This variant has not been identified in the general population by the Genome Aggregation Database (gnomAD). The available evidence is insufficient to determine the role of this variant in disease conclusively. Therefore, this variant is classified as a Variant of Uncertain Significance.

This study involves interpretation of variants in research participants for the purpose of population health screening. Participant phenotype was not available at the time of variant classification. Additional details can be found in publication PMID: 35346344, PMCID: PMC8962531

Baylor Genetics
Classification: Uncertain significance for Isolated focal cortical dysplasia type II. Last evaluated: 2023-05-24. Review status: criteria provided, single submitter. Criteria: ACMG Guidelines, 2015. Collection method: clinical testing. Allele origin: unknown.